The following is an entry in ClinVar:

NM_001199107.2(TBC1D24):c.309dup (p.Tyr104fs)

Gene: TBC1D24 (TBC1 domain family member 24; plus strand). Cytogenetic location: 16p13.3.
Variant type: Duplication.
Coding change: c.309dup on transcript NM_001199107.2 (MANE Select); coding-DNA position 309, one base duplicated (C; older notation c.309dupC).
Protein change: p.Tyr104fs; shifts the reading frame from tyrosine 104.
Molecular consequence: frameshift variant.
Genome position (GRCh38, 1-based): chr16:2,496,457, C duplicated. VCF-style (leftmost placement, unchanged base first): chr16-2496456-G-GC. GRCh37 (hg19) VCF-style: chr16-2546457-G-GC.
Other names: c.309dup, p.Tyr104fs (NM_020705.3); short protein forms Y104fs.
Identifiers: ClinVar variation 2942773 (VCV002942773.3), dbSNP rs2505513095, ClinGen allele CA2740096856.

ClinVar aggregate classification (germline): Pathogenic (1 of 4 stars; one submission).

Conditions:
Autosomal dominant nonsyndromic hearing loss 65. Also called: Deafness, autosomal dominant 65; TBC1D24-Related Autosomal Dominant Nonsyndromic Hearing Loss (DFNA). Identifiers: Orphanet 90635, MedGen C3892048, MONDO:0014470, OMIM 616044.
Developmental and epileptic encephalopathy, 1 (DEE1). Also called: INFANTILE SPASM SYNDROME, X-LINKED 1; X-linked infantile spasms; West's syndrome; Tonic spasms with clustering, arrest of psychomotor development and hypsarrhythmia on EEG; X-Linked Infantile Spasm Syndrome; OHTAHARA SYNDROME, X-LINKED. Identifiers: MedGen C3463992, MONDO:0010632, OMIM 308350. Disease mechanism: loss of function.

Submission:

Labcorp Genetics (formerly Invitae), Labcorp
Classification: Pathogenic for Developmental and epileptic encephalopathy, 1; Autosomal dominant nonsyndromic hearing loss 65. Last evaluated: 2023-04-03. Review status: criteria provided, single submitter. Criteria: Invitae Variant Classification Sherloc (09022015). Collection method: clinical testing. Allele origin: germline.
Comment: For these reasons, this variant has been classified as Pathogenic. This variant has not been reported in the literature in individuals affected with TBC1D24-related conditions. This variant is not present in population databases (gnomAD no frequency). This sequence change creates a premature translational stop signal (p.Tyr104Leufs*60) in the TBC1D24 gene. It is expected to result in an absent or disrupted protein product. Loss-of-function variants in TBC1D24 are known to be pathogenic (PMID: 23526554, 24291220).

Literature cited by the submitters: PubMed 23526554; PubMed 24291220.